The following is an entry in ClinVar:

NM_022168.4(IFIH1):c.238G>A (p.Val80Met)

Gene: IFIH1 (interferon induced with helicase C domain 1; minus strand). Cytogenetic location: 2q24.2.
Variant type: single nucleotide variant.
Coding change: c.238G>A on transcript NM_022168.4 (MANE Select); coding-DNA position 238, G replaced by A.
Protein change: p.Val80Met; replaces valine 80 with methionine.
Molecular consequence: missense variant.
Genome position (GRCh38, 1-based): chr2:162,318,070, C>T on the plus strand (G>A on the coding strand, the complement: IFIH1 is on the minus strand). VCF-style: chr2-162318070-C-T. GRCh37 (hg19) VCF-style: chr2-163174580-C-T.
Other names: short protein forms V80M.
Identifiers: ClinVar variation 2947976 (VCV002947976.3), dbSNP rs1399804304, ClinGen allele CA349013786.
Genomic context (GRCh38, chr2:162,318,070, plus strand): 5'-TGAGCTCAGGGTTCATGTAGCGGGCGGCCAGAGGGCTGCCGGTTCTCCGGAGGGCCTCCA[C>T]GAATTCCCGAGTCCAACCAAGGTGCCAGACTCCCTTCTCCAAGGTGCTCAGCAGCAGTTC-3'
Protein context (NP_071451.2, residues 70-90): VWHLGWTREF[Val80Met]EALRRTGSPL

ClinVar aggregate classification (germline): Uncertain significance (1 of 4 stars; one submission).

Conditions:
Singleton-Merten syndrome 1 (SGMRT1). Also called: Widened medullary cavities of bone, aortic calcification, abnormal dentition, and muscular weakness; Syndrome of widened medullary cavities of the metacarpals and phalanges, aortic calcification and abnormal dentition. Identifiers: Orphanet 85191, MedGen C4225427, MONDO:0024535, OMIM 182250.
Aicardi-Goutieres syndrome 7 (AGS7). Identifiers: Orphanet 51, MedGen C3888244, MONDO:0014367, OMIM 615846.

Allele frequency attached by ClinVar (database versions not stated): gnomAD 0.00001.

Submission:

Labcorp Genetics (formerly Invitae), Labcorp
Classification: Uncertain significance for Aicardi-Goutieres syndrome 7; Singleton-Merten syndrome 1. Last evaluated: 2023-10-13. Review status: criteria provided, single submitter. Criteria: Invitae Variant Classification Sherloc (09022015). Collection method: clinical testing. Allele origin: germline.
Comment: This sequence change replaces valine, which is neutral and non-polar, with methionine, which is neutral and non-polar, at codon 80 of the IFIH1 protein (p.Val80Met). This variant is present in population databases (no rsID available, gnomAD 0.007%). This variant has not been reported in the literature in individuals affected with IFIH1-related conditions. This missense change has been observed in at least one individual who was not affected with IFIH1-related conditions (Invitae). Advanced modeling of protein sequence and biophysical properties (such as structural, functional, and spatial information, amino acid conservation, physicochemical variation, residue mobility, and thermodynamic stability) has been performed at Invitae for this missense variant, however the output from this modeling did not meet the statistical confidence thresholds required to predict the impact of this variant on IFIH1 protein function. In summary, the available evidence is currently insufficient to determine the role of this variant in disease. Therefore, it has been classified as a Variant of Uncertain Significance.